The following is an entry in ClinVar:

NM_022916.6(VPS33A):c.631A>G (p.Arg211Gly)

Gene: VPS33A (VPS33A core subunit of CORVET and HOPS complexes; minus strand). Cytogenetic location: 12q24.31.
Variant type: single nucleotide variant.
Coding change: c.631A>G on transcript NM_022916.6 (MANE Select); coding-DNA position 631, A replaced by G.
Protein change: p.Arg211Gly; replaces arginine 211 with glycine.
Molecular consequence: missense variant.
Genome position (GRCh38, 1-based): chr12:122,250,015, T>C on the plus strand (A>G on the coding strand, the complement: VPS33A is on the minus strand). VCF-style: chr12-122250015-T-C. GRCh37 (hg19) VCF-style: chr12-122734562-T-C.
Other names: c.598A>G, p.Arg200Gly (NM_001351018.2); c.583A>G, p.Arg195Gly (NM_001351019.2); c.631A>G, p.Arg211Gly (NM_001351020.2); short protein forms R211G, R200G, R195G.
Identifiers: ClinVar variation 1920255 (VCV001920255.5), dbSNP rs777150938, ClinGen allele CA6844532.

ClinVar aggregate classification (germline): Uncertain significance (1 of 4 stars; one submission).

Allele frequency attached by ClinVar (database versions not stated): gnomAD exomes below 0.00001; ExAC 0.00001; gnomAD 0.00001; TOPMed 0.00001.
gnomAD v4.1: 4 of 1,612,850 alleles (0.00025%); highest among the groups gnomAD compares: South Asian, 0.0011%; no homozygotes.

Submission:

Labcorp Genetics (formerly Invitae), Labcorp
Classification: Uncertain significance. Last evaluated: 2025-12-24. Review status: criteria provided, single submitter. Criteria: Invitae Variant Classification Sherloc (09022015). Collection method: clinical testing. Allele origin: germline.
Comment: This sequence change replaces arginine, which is basic and polar, with glycine, which is neutral and non-polar, at codon 211 of the VPS33A protein (p.Arg211Gly). The frequency data for this variant in the population databases is considered unreliable, as metrics indicate poor data quality at this position in the gnomAD database. This variant has not been reported in the literature in individuals affected with VPS33A-related conditions. ClinVar contains an entry for this variant (Variation ID: 1920255). Invitae Evidence Modeling of protein sequence and biophysical properties (such as structural, functional, and spatial information, amino acid conservation, physicochemical variation, residue mobility, and thermodynamic stability) indicates that this missense variant is not expected to disrupt VPS33A protein function with a negative predictive value of 80%. In summary, the available evidence is currently insufficient to determine the role of this variant in disease. Therefore, it has been classified as a Variant of Uncertain Significance.